The following is an entry in ClinVar:

NM_000368.5(TSC1):c.179dup (p.Leu61fs)

Gene: TSC1 (TSC complex subunit 1; minus strand). Cytogenetic location: 9q34.13.
Variant type: Duplication.
Coding change: c.179dup on transcript NM_000368.5 (MANE Select); coding-DNA position 179, one base duplicated (T; older notation c.179dupT).
Protein change: p.Leu61fs; shifts the reading frame from leucine 61.
Molecular consequence: frameshift variant. On other transcripts: 5 prime UTR variant (9), non-coding transcript variant (4), intron variant (9).
Genome position (GRCh38, 1-based): chr9:132,927,232, A duplicated on the plus strand (T on the coding strand, the reverse complement: TSC1 is on the minus strand). VCF-style (leftmost placement, unchanged base first): chr9-132927231-G-GA. GRCh37 (hg19) VCF-style: chr9-135802618-G-GA.
Other names: c.179dup, p.Leu61fs (NM_001162426.2, NM_001162427.2, NM_001406592.1 and 21 more transcripts); c.-310dup (NM_001406615.1, NM_001406623.1); c.-277dup (NM_001406616.1, NM_001406624.1); c.-699dup (NM_001406626.1, NM_001406627.1, NM_001406628.1); c.-841dup (NM_001406629.1); c.-915dup (NM_001406630.1); c.-153-1493dup (NM_001406620.1, NM_001406618.1, NM_001406625.1 and 5 more transcripts); c.-245-1493dup (NM_001406614.1); and 1 more; short protein forms L61fs.
Identifiers: ClinVar variation 3462421 (VCV003462421.1).
Genomic context (GRCh38, chr9:132,927,231, plus strand): 5'-ATGAAATGCCTATGATATTTCAGCCATTACCTTGTCATGTGGCTCTTGCAAGGTGGTCAG[G>GA]ATGTGCAATGCCGGCTGAGAGCTGGTTTCCAGGTAATAATCCACCAAGGTGTTTACAAGC-3'

ClinVar aggregate classification (germline): Pathogenic (1 of 4 stars; one submission).

Conditions:
Hereditary cancer-predisposing syndrome. Also called: Tumor predisposition; Neoplastic Syndromes, Hereditary; Hereditary neoplastic syndrome; Hereditary Cancer Syndrome. Identifiers: Orphanet 140162, MedGen C0027672, MeSH D009386, MONDO:0015356.

Submission:

Ambry Genetics
Classification: Pathogenic for Hereditary cancer-predisposing syndrome. Last evaluated: 2024-10-10. Review status: criteria provided, single submitter. Criteria: Ambry Variant Classification Scheme 2023. Collection method: clinical testing. Allele origin: germline.
Comment: The c.179dupT pathogenic mutation, located in coding exon 2 of the TSC1 gene, results from a duplication of T at nucleotide position 179, causing a translational frameshift with a predicted alternate stop codon (p.L61Pfs*9). This variant is considered to be rare based on population cohorts in the Genome Aggregation Database (gnomAD). This alteration is expected to result in loss of function by premature protein truncation or nonsense-mediated mRNA decay. As such, this alteration is interpreted as a disease-causing mutation.